The following is an entry in ClinVar:

NM_030948.6(PHACTR1):c.1492AGG[1] (p.Arg499del)

Genes: PHACTR1 (phosphatase and actin regulator 1; plus strand), TBC1D7-LOC100130357 (TBC1D7-LOC100130357 readthrough; minus strand), LOC100130357 (uncharacterized LOC100130357; minus strand), LOC129995804 (ATAC-STARR-seq lymphoblastoid active region 24022; plus strand). Cytogenetic location: 6p24.1.
Variant type: Microsatellite.
Coding change: c.1492AGG[1] on transcript NM_030948.6 (MANE Select); one copy of the 3-base unit AGG starting at c.1492; the reference has two copies in a row; one copy, 3 bases deleted.
Protein change: p.Arg499del; deletes arginine 499.
Molecular consequence: intron variant (on NM_001318809.2).
Genome position (GRCh38, 1-based): chr6:13,278,315-13,278,317, AGG deleted; deleting any 3 consecutive bases within chr6:13,278,311-13,278,317 gives the same sequence; the position shown is the placement nearest the transcript's 3' end. VCF-style (leftmost placement, unchanged base first): chr6-13278310-AGAG-A. GRCh37 (hg19) VCF-style: chr6-13278542-AGAG-A.
Other names: c.1492AGG[1], p.Arg499del (NM_001242648.4, NM_001322308.3, NM_001322309.3 and 1 more transcripts); c.1699AGG[1], p.Arg568del (NM_001322310.2); c.1216AGG[1], p.Arg407del (NM_001322311.2, NM_001322312.3, NM_001374583.2); c.1423AGG[1], p.Arg476del (NM_001322313.2); c.1702AGG[1], p.Arg569del (NM_001322314.4); c.*40-10478_*40-10476del (NM_001318809.2); short protein forms R407del, R476del, R499del, R568del, R569del.
Identifiers: ClinVar variation 4890775 (VCV004890775.1).

ClinVar aggregate classification (germline): Likely pathogenic (1 of 4 stars; one submission).

Conditions:
Developmental and epileptic encephalopathy, 70. Also called: EPILEPTIC ENCEPHALOPATHY, EARLY INFANTILE, 70. Identifiers: MedGen C4749023, MONDO:0032663, OMIM 618298.

Submission:

Solve-RD Consortium
Classification: Likely pathogenic for Developmental and epileptic encephalopathy, 70. Review status: criteria provided, single submitter. Criteria: ACMG Guidelines, 2015. Collection method: provider interpretation. Allele origin: germline. Inheritance: Autosomal dominant inheritance. Affected: yes. Study: Solve-RD DIFT-EpiCARE reanalysis.
Comment: PM2, PS2, PM1

Variant identified during reanalysis of unsolved cases by the Solve-RD project. The Solve-RD project has received funding from the European Union’s Horizon 2020 research and innovation programme under grant agreement No 779257.